The following is an entry in ClinVar:

ClinVar aggregate classification (germline): Likely pathogenic (1 of 4 stars; one submission).

Conditions:
Combined oxidative phosphorylation deficiency 35 (COXPD35). Identifiers: MedGen C4693466, MONDO:0054742, OMIM 617873.

Allele frequency attached by ClinVar (database versions not stated): gnomAD exomes below 0.00001.
gnomAD v4.1: 1 of 1,601,612 alleles (0.000062%); highest among the groups gnomAD compares: Non-Finnish European, 0.000085%; no homozygotes.

Submission:

Neuberg Centre For Genomic Medicine, NCGM
Classification: Likely pathogenic for Combined oxidative phosphorylation deficiency 35. Review status: criteria provided, single submitter. Criteria: ACMG Guidelines, 2015. Collection method: clinical testing. Allele origin: germline. Inheritance: Autosomal recessive inheritance. Affected: yes.
Comment: The splice acceptor c.1235-2A>G variant has not been reported previously as a pathogenic variant nor as a benign variant, to our knowledge. The c.1235-2A>G variant is novel (not in any individuals) in gnomAD Exomes and 1000 Genomes. This variant has not been reported to the ClinVar database. The c.1235-2A>G variant is novel (not in any individuals) in gnomAD Exomes and 1000 Genomes. Loss of function variants have been previously reported to be disease causing. For these reasons, this variant has been classified as Likely Pathogenic. In the absence of other reportable variant, the molecular diagnosis is not confirmed.

NM_017646.6(TRIT1):c.1235-2A>G

Gene: TRIT1 (tRNA isopentenyltransferase 1; minus strand). Cytogenetic location: 1p34.2.
Variant type: single nucleotide variant.
Coding change: c.1235-2A>G on transcript NM_017646.6 (MANE Select); the canonical splice acceptor site of the intron before coding-DNA position 1235, A replaced by G.
Molecular consequence: splice acceptor variant.
Genome position (GRCh38, 1-based): chr1:39,841,915, T>C on the plus strand (A>G on the coding strand, the complement: TRIT1 is on the minus strand). VCF-style: chr1-39841915-T-C. GRCh37 (hg19) VCF-style: chr1-40307587-T-C.
Other names: c.989-2A>G (NM_001312692.1); c.1157-2A>G (NM_001312691.1).
Identifiers: ClinVar variation 2585517 (VCV002585517.1), dbSNP rs2522382789, ClinGen allele CA339838658.